The following is an entry in ClinVar:

ClinVar aggregate classification (germline): Uncertain significance (1 of 4 stars; one submission).

gnomAD v4.1: 4 of 1,612,486 alleles (0.00025%); highest among the groups gnomAD compares: Admixed American, 0.005%; no homozygotes.

Submission:

Labcorp Genetics (formerly Invitae), Labcorp
Classification: Uncertain significance. Last evaluated: 2024-07-19. Review status: criteria provided, single submitter. Criteria: Invitae Variant Classification Sherloc (09022015). Collection method: clinical testing. Allele origin: germline.
Comment: This sequence change replaces threonine, which is neutral and polar, with alanine, which is neutral and non-polar, at codon 287 of the LIPI protein (p.Thr287Ala). This variant is not present in population databases (gnomAD no frequency). This variant has not been reported in the literature in individuals affected with LIPI-related conditions. An algorithm developed to predict the effect of missense changes on protein structure and function (PolyPhen-2) suggests that this variant is likely to be disruptive. In summary, the available evidence is currently insufficient to determine the role of this variant in disease. Therefore, it has been classified as a Variant of Uncertain Significance.

NM_001302998.2(LIPI):c.796A>G (p.Thr266Ala)

Gene: LIPI (lipase I; minus strand). Cytogenetic location: 21q11.2.
Variant type: single nucleotide variant.
Coding change: c.796A>G on transcript NM_001302998.2 (MANE Select); coding-DNA position 796, A replaced by G.
Protein change: p.Thr266Ala; replaces threonine 266 with alanine.
Molecular consequence: missense variant. On other transcripts: intron variant (1).
Genome position (GRCh38, 1-based): chr21:14,165,328, T>C on the plus strand (A>G on the coding strand, the complement: LIPI is on the minus strand). VCF-style: chr21-14165328-T-C. GRCh37 (hg19) VCF-style: chr21-15537649-T-C.
Other names: c.706A>G, p.Thr236Ala (NM_001302999.2); c.796A>G, p.Thr266Ala (NM_001303000.2, NM_001303001.2); c.301A>G, p.Thr101Ala (NM_001379566.1); c.661A>G, p.Thr221Ala (NM_198996.4); c.734-43A>G (NM_001379565.1); short protein forms T221A, T236A, T101A, T266A.
Identifiers: ClinVar variation 3695569 (VCV003695569.2).